The following is an entry in ClinVar:

NM_002693.3(POLG):c.659+4A>G

Genes: POLGARF (POLG alternative reading frame; minus strand), POLG (DNA polymerase gamma, catalytic subunit; minus strand). Cytogenetic location: 15q26.1.
Variant type: single nucleotide variant.
Coding change: c.659+4A>G on transcript NM_002693.3 (MANE Select); 4 bases into the intron after coding-DNA position 659, A replaced by G.
Molecular consequence: intron variant.
Genome position (GRCh38, 1-based): chr15:89,333,092, T>C on the plus strand (A>G on the coding strand, the complement: POLG is on the minus strand). VCF-style: chr15-89333092-T-C. GRCh37 (hg19) VCF-style: chr15-89876323-T-C.
Other names: c.659+4A>G (NM_001126131.2).
Identifiers: ClinVar variation 1428309 (VCV001428309.5), dbSNP rs1260147650, ClinGen allele CA619857537.
Genomic context (GRCh38, chr15:89,333,092, plus strand): 5'-CTGAAACAAACTATTAAGCTGGGCCCCCATGCCTGCTTATGTCCCCAACCCTGCCCCTAC[T>C]TACCAGGCCGAGGGGGATATGGCCACCGCCAATGTGGGGCAAGTTCCCTCTGCCAAGCAG-3'

ClinVar aggregate classification (germline): Uncertain significance (1 of 4 stars; one submission).

Conditions:
Progressive sclerosing poliodystrophy (MTDPS4A). Also called: ALPERS PROGRESSIVE INFANTILE POLIODYSTROPHY; NEURONAL DEGENERATION OF CHILDHOOD WITH LIVER DISEASE, PROGRESSIVE; Alpers Syndrome; ALPERS DIFFUSE DEGENERATION OF CEREBRAL GRAY MATTER WITH HEPATIC CIRRHOSIS; Alpers-Huttenlocher Syndrome; Mitochondrial DNA depletion syndrome 4A (Alpers type). Identifiers: Orphanet 726, MedGen C0205710, MONDO:0008758, OMIM 203700.

Allele frequency attached by ClinVar (database versions not stated): gnomAD 0.00001.
gnomAD v4.1: 2 of 1,511,632 alleles (0.00013%); no homozygotes.

Submission:

Labcorp Genetics (formerly Invitae), Labcorp
Classification: Uncertain significance for Progressive sclerosing poliodystrophy. Last evaluated: 2021-05-19. Review status: criteria provided, single submitter. Criteria: Invitae Variant Classification Sherloc (09022015). Collection method: clinical testing. Allele origin: germline.
Comment: This sequence change falls in intron 2 of the POLG gene. It does not directly change the encoded amino acid sequence of the POLG protein. It affects a nucleotide within the consensus splice site of the intron. This variant is not present in population databases (ExAC no frequency). This variant has not been reported in the literature in individuals with POLG-related conditions. Nucleotide substitutions within the consensus splice site are a relatively common cause of aberrant splicing (PMID: 17576681, 9536098). Algorithms developed to predict the effect of sequence changes on RNA splicing suggest that this variant may disrupt the consensus splice site, but this prediction has not been confirmed by published transcriptional studies. In summary, the available evidence is currently insufficient to determine the role of this variant in disease. Therefore, it has been classified as a Variant of Uncertain Significance.

Literature cited by the submitters: PubMed 17576681; PubMed 9536098.